The following is an entry in ClinVar:

NM_018486.3(HDAC8):c.551del (p.Gly184fs)

Gene: HDAC8 (histone deacetylase 8; minus strand). Cytogenetic location: Xq13.1.
Variant type: Deletion.
Coding change: c.551del on transcript NM_018486.3 (MANE Select); coding-DNA position 551, one base deleted (G; older notation c.551delG).
Protein change: p.Gly184fs; shifts the reading frame from glycine 184.
Molecular consequence: frameshift variant, splice acceptor variant. On other transcripts: non-coding transcript variant (1), intron variant (1).
Genome position (GRCh38, 1-based): chrX:72,491,006, C deleted on the plus strand (G on the coding strand, the reverse complement: HDAC8 is on the minus strand). VCF-style (leftmost placement, unchanged base first): chrX-72491005-AC-A. GRCh37 (hg19) VCF-style: chrX-71710855-AC-A.
Other names: c.278del, p.Gly93fs (NM_001166418.2); c.551del, p.Gly184fs (NM_001166419.2); c.278-1965del (NM_001166448.2); short protein forms G184fs, G93fs.
Identifiers: ClinVar variation 1333346 (VCV001333346.1), dbSNP rs2148131678, ClinGen allele CA2573055397.

ClinVar aggregate classification (germline): Likely pathogenic (1 of 4 stars; one submission).

Conditions:
Cornelia de Lange syndrome 5 (CDLS5). Also called: HDAC8-Related Cornelia de Lange Syndrome. Identifiers: Orphanet 199, MedGen C3550903, MONDO:0010471, OMIM 300882.

Submission:

3billion
Classification: Likely pathogenic for Cornelia de Lange syndrome 5. Last evaluated: 2022-01-03. Review status: criteria provided, single submitter. Criteria: ACMG Guidelines, 2015. Collection method: clinical testing. Allele origin: germline. Affected: yes. Observed: 1 heterozygote.
Comment: Frameshift: predicted to result in a loss or disruption of normal protein function through nonsense-mediated decay (NMD) or protein truncation. Multiple pathogenic variants are reported downstream of the variant (PVS1_VS). It is not observed in the gnomAD v2.1.1 dataset (PM2_M). Therefore, this variant is classified as likely pathogenic according to the recommendation of ACMG/AMP guideline.